The following is an entry in ClinVar:

ClinVar aggregate classification (germline): Benign. Review status: criteria provided, multiple submitters, no conflicts (2 of 4 stars). 11 submissions from 11 submitters: Benign (7). 4 of the submissions do not count toward it. Last evaluated 2025-04-25.

Conditions:
Polycystic kidney disease, adult type (PKD1). Also called: POLYCYSTIC KIDNEY DISEASE, ADULT, TYPE I; Polycystic Kidney Disease 1, Autosomal Dominant; Polycystic kidney disease 1; Polycystic kidney disease 1, severe; POLYCYSTIC KIDNEY DISEASE 1 WITH OR WITHOUT POLYCYSTIC LIVER DISEASE; Polycystic Kidney, Autosomal Dominant. Identifiers: MedGen C3149841, MONDO:0008263, OMIM 173900.
Polycystic kidney disease. Also called: Kidney, Polycystic; Polycystic kidney dysplasia. Identifiers: MedGen C0022680, MeSH D007690, MONDO:0020642, HP:0000113.

Allele frequency attached by ClinVar (database versions not stated): gnomAD 0.02895; TOPMed 0.03222; ESP Exome Variant Server 0.03824; 1000 Genomes Project 0.03854; 1000 Genomes Project 30x 0.04091.
gnomAD v4.1: 9,390 of 1,594,686 alleles (0.59%); highest among the groups gnomAD compares: African/African-American, 11%; 507 homozygotes.

Submissions (11):

Women's Health and Genetics/Laboratory Corporation of America, LabCorp
Classification: Benign. Last evaluated: 2025-04-25. Review status: criteria provided, single submitter. Criteria: LabCorp Variant Classification Summary - May 2015. Collection method: clinical testing. Allele origin: germline.

Mayo Clinic Laboratories, Mayo Clinic
Classification: Benign. Last evaluated: 2022-11-18. Review status: criteria provided, single submitter. Criteria: ACMG Guidelines, 2015. Collection method: clinical testing. Allele origin: germline. Observed: 35 variant alleles.

ARUP Laboratories, Molecular Genetics and Genomics, ARUP Laboratories
Classification: Benign for Polycystic kidney disease, adult type. Last evaluated: 2020-06-02. Review status: criteria provided, single submitter. Criteria: ARUP Molecular Germline Variant Investigation Process. Collection method: clinical testing. Allele origin: germline.

GeneDx
Classification: Benign. Last evaluated: 2019-09-26. Review status: criteria provided, single submitter. Criteria: GeneDx Variant Classification Process June 2021. Collection method: clinical testing. Allele origin: germline. Affected: yes.
Comment: This variant is associated with the following publications: (PMID: 11967008, 22008521)

Athena Diagnostics
Classification: Benign. Last evaluated: 2017-10-12. Review status: criteria provided, single submitter. Criteria: Athena Diagnostics Criteria. Collection method: clinical testing. Allele origin: germline.

Breakthrough Genomics
Classification: Benign. Review status: criteria provided, single submitter. Criteria: ACMG Guidelines, 2015. Collection method: not provided. Allele origin: germline. Inheritance: Autosomal dominant inheritance. Affected: yes.

PreventionGenetics, part of Exact Sciences
Classification: Benign. Review status: criteria provided, single submitter. Criteria: ACMG Guidelines, 2015. Collection method: clinical testing. Allele origin: germline.

Department of Pathology and Laboratory Medicine, Sinai Health System
Classification: Benign for Polycystic Kidney disease. Review status: no assertion criteria provided. Collection method: clinical testing. Allele origin: unknown. Affected: yes. Study: The Canadian Open Genetics Repository (COGR). Not counted in ClinVar's aggregate classification.
Comment: The PKD1 c.2854-5T>C variant was identified in 3 of 164 proband chromosomes (freq: 0.018) from individuals or families with ADPKD, and was not identified in 100 control chromosomes from healthy individuals (Bataille 2011, Rossetti 2002). The variant is also identified in dbSNP (ID: rs114846412) with no Allele status indicated. In addition, this variant was identified in the 1000 Genomes Project in 193 of 5013 chromosomes (freq: 0.0385), in the NHLBI GO Exome Sequencing Project in 4 of 4820 (frequency: 0.0008) European American, 286 of 2764 African American alleles (frequency: 0.1035) and in the Exome Aggregation Consortium database (Mar 14, 2016) in in 983 of 100432 chromosomes (freq. 0.010) in the following populations: African in 884 (48 homozygous) of 7940 chromosomes (freq. 0.11), other in 4 of 678 chromosomes (freq. 0.006), Latino in 62 of 11132 chromosomes (freq. 0.006), European (Non-Finnish) in 33 of 57550 chromosomes (freq. 0.0006), but was not seen in East Asian, Finnish, and South Asian populations, increasing the likelihood that this may be a low frequency benign variant in certain populations of origin. We cannot be certain that variant data from control databases is specific to PKD1 and not from one of the six PKD1 pseudogenes. The variant is also identified in GeneInsight COGR (1x as benign), and in ADPKD Mutation Database (4x as likely neutral). The c.2854-5T>C variant is located in the 3' splice region but does not affect the invariant -1 and -2 positions. However, positions -3 and -5 to -12 are part of the splicing consensus sequence and variants involving these positions sometimes affect splicing. In silico or computational prediction software programs (SpliceSiteFinder, MaxEntScan, NNSPLICE, GeneSplicer, HumanSpliceFinder) do not predict a difference in splicing. In summary, based on the above information, this variant meets our laboratory criteria to be classified as benign.

Genome Diagnostics Laboratory, University Medical Center Utrecht
Classification: Benign. Review status: no assertion criteria provided. Collection method: clinical testing. Allele origin: germline. Affected: yes. Study: VKGL Data-share Consensus. Not counted in ClinVar's aggregate classification.

Joint Genome Diagnostic Labs from Nijmegen and Maastricht, Radboudumc and MUMC+
Classification: Benign. Review status: no assertion criteria provided. Collection method: clinical testing. Allele origin: germline. Affected: yes. Study: VKGL Data-share Consensus. Not counted in ClinVar's aggregate classification.

Laboratory of Diagnostic Genome Analysis, Leiden University Medical Center (LUMC)
Classification: Benign. Review status: no assertion criteria provided. Collection method: clinical testing. Allele origin: germline. Affected: yes. Study: VKGL Data-share Consensus. Not counted in ClinVar's aggregate classification.

NM_001009944.3(PKD1):c.2854-5C>T

Gene: PKD1 (polycystin 1, transient receptor potential channel interacting; minus strand). Cytogenetic location: 16p13.3.
Variant type: single nucleotide variant.
Coding change: c.2854-5C>T on transcript NM_001009944.3 (MANE Select); 5 bases into the intron before coding-DNA position 2854, C replaced by T.
Molecular consequence: intron variant.
Genome position (GRCh38, 1-based): chr16:2,113,297, G>A on the plus strand (C>T on the coding strand, the complement: PKD1 is on the minus strand). VCF-style: chr16-2113297-G-A. GRCh37 (hg19) VCF-style: chr16-2163298-G-A.
Other names: p.?; c.2854-5C>T (NM_000296.4).
Identifiers: ClinVar variation 256938 (VCV000256938.22), dbSNP rs114846412, ClinGen allele CA7833045.
Genomic context (GRCh38, chr16:2,113,297, plus strand): 5'-TTGATGGTCCACCGGAAGACCATGTCCGAGCCGGCCTCCACCACGGGGCTGTACCTCTGC[G>A]GGGGGAATGGTGTCAGCCTGGGCTCTGTGGAGGACTCTGCCCTTAGCCTGTCGCCTCCTG-3'